The following is an entry in ClinVar:

ClinVar aggregate classification (germline): Uncertain significance (1 of 4 stars; one submission).

Allele frequency attached by ClinVar (database versions not stated): ExAC 0.00001; gnomAD 0.00001; TOPMed 0.00002; ESP Exome Variant Server 0.00008; gnomAD exomes below 0.00001.
gnomAD v4.1: 2 of 1,614,058 alleles (0.00012%); highest among the groups gnomAD compares: African/African-American, 0.0013%; no homozygotes.

Submission:

Labcorp Genetics (formerly Invitae), Labcorp
Classification: Uncertain significance. Last evaluated: 2025-10-28. Review status: criteria provided, single submitter. Criteria: Invitae Variant Classification Sherloc (09022015). Collection method: clinical testing. Allele origin: germline.
Comment: This sequence change replaces asparagine, which is neutral and polar, with serine, which is neutral and polar, at codon 322 of the CACNA1D protein (p.Asn322Ser). This variant is present in population databases (rs142951079, gnomAD 0.0009%). This variant has not been reported in the literature in individuals affected with CACNA1D-related conditions. ClinVar contains an entry for this variant (Variation ID: 1465486). Invitae Evidence Modeling of protein sequence and biophysical properties (such as structural, functional, and spatial information, amino acid conservation, physicochemical variation, residue mobility, and thermodynamic stability) indicates that this missense variant is not expected to disrupt CACNA1D protein function with a negative predictive value of 80%. In summary, the available evidence is currently insufficient to determine the role of this variant in disease. Therefore, it has been classified as a Variant of Uncertain Significance.

NM_001128840.3(CACNA1D):c.965A>G (p.Asn322Ser)

Gene: CACNA1D (calcium voltage-gated channel subunit alpha1 D; plus strand). Cytogenetic location: 3p21.1.
Variant type: single nucleotide variant.
Coding change: c.965A>G on transcript NM_001128840.3 (MANE Select); coding-DNA position 965, A replaced by G.
Protein change: p.Asn322Ser; replaces asparagine 322 with serine.
Molecular consequence: missense variant.
Genome position (GRCh38, 1-based): chr3:53,666,384, A>G. VCF-style: chr3-53666384-A-G. GRCh37 (hg19) VCF-style: chr3-53700411-A-G.
Other names: c.965A>G, p.Asn322Ser (NM_000720.4, NM_001128839.3); short protein forms N322S.
Identifiers: ClinVar variation 1465486 (VCV001465486.6), dbSNP rs142951079, ClinGen allele CA2453800.